The following is an entry in ClinVar:

NM_003079.5(SMARCE1):c.990_1004del (p.Glu330_Asp334del)

Gene: SMARCE1 (SWI/SNF related BAF chromatin remodeling complex subunit E1; minus strand). Cytogenetic location: 17q21.2.
Variant type: Deletion.
Coding change: c.990_1004del on transcript NM_003079.5 (MANE Select); coding-DNA positions 990 to 1004, 15 bases deleted (GGAGAAGAAAGACGA).
Protein change: p.Glu330_Asp334del.
Molecular consequence: inframe deletion.
Genome position (GRCh38, 1-based): chr17:40,630,737-40,630,751, TCGTCTTTCTTCTCC deleted on the plus strand (GGAGAAGAAAGACGA on the coding strand, the reverse complement: SMARCE1 is on the minus strand); deleting any 15 consecutive bases within chr17:40,630,737-40,630,754 gives the same sequence; the c. name uses the placement nearest the transcript's 3' end. VCF-style (leftmost placement, unchanged base first): chr17-40630736-GTCGTCTTTCTTCTCC-G. GRCh37 (hg19) VCF-style: chr17-38786988-GTCGTCTTTCTTCTCC-G.
Identifiers: ClinVar variation 1473720 (VCV001473720.10), dbSNP rs2143984558, ClinGen allele CA2573153795.

ClinVar aggregate classification (germline): Uncertain significance. Review status: criteria provided, multiple submitters, no conflicts (2 of 4 stars). 2 submissions from 2 submitters: Uncertain significance (2). Last evaluated 2022-10-18.

Conditions:
Hereditary cancer-predisposing syndrome. Also called: Neoplastic Syndromes, Hereditary; Hereditary Cancer Syndrome; Tumor predisposition; Hereditary neoplastic syndrome. Identifiers: Orphanet 140162, MedGen C0027672, MeSH D009386, MONDO:0015356.
Familial meningioma. Also called: Meningioma, familial, susceptibility to. Identifiers: Orphanet 263662, MedGen C3551915, MONDO:0011789, OMIM 607174.

Submissions (2):

Ambry Genetics
Classification: Uncertain significance for Hereditary cancer-predisposing syndrome. Last evaluated: 2022-10-18. Review status: criteria provided, single submitter. Criteria: Ambry Variant Classification Scheme 2023. Collection method: clinical testing. Allele origin: germline.
Comment: The c.990_1004del15 variant (also known as p.E330_D334del) is located in coding exon 9 of the SMARCE1 gene. This variant results from an in-frame GGAGAAGAAAGACGA deletion at nucleotide positions 990 to 1004. This results in the in-frame deletion of five amino acids (EEKKD) at codons 330 to 334. This amino acid region is not well conserved in available vertebrate species. In addition, the in silico prediction for this alteration is inconclusive (Choi Y et al. PLoS ONE. 2012; 7(10):e46688). Missense and in-frame variants in SMARCE1 are known to cause neurodevelopmental disorders; however, such associations with increased risk of meningiomas are exceedingly rare (Kosho T et al. Am J Med Genet C Semin Med Genet. 2014 Sep;166C(3):262-75; Smith JM et al. Nat Genet. 2013 Mar;45(3):295-8). Since supporting evidence is limited at this time, the clinical significance of this alteration remains unclear.

Labcorp Genetics (formerly Invitae), Labcorp
Classification: Uncertain significance for Familial meningioma. Last evaluated: 2020-12-15. Review status: criteria provided, single submitter. Criteria: Invitae Variant Classification Sherloc (09022015). Collection method: clinical testing. Allele origin: germline.
Comment: This variant has not been reported in the literature in individuals with SMARCE1-related conditions. This variant, c.990_1004del, results in the deletion of 5 amino acid(s) of the SMARCE1 protein (p.Glu330_Asp334del), but otherwise preserves the integrity of the reading frame. In summary, the available evidence is currently insufficient to determine the role of this variant in disease. Therefore, it has been classified as a Variant of Uncertain Significance. Experimental studies and prediction algorithms are not available or were not evaluated, and the functional significance of this variant is currently unknown. This variant is not present in population databases (ExAC no frequency).